The following is an entry in ClinVar:

NM_001035.3(RYR2):c.930A>C (p.Glu310Asp)

Gene: RYR2 (ryanodine receptor 2; plus strand). Cytogenetic location: 1q43.
Variant type: single nucleotide variant.
Coding change: c.930A>C on transcript NM_001035.3 (MANE Select); coding-DNA position 930, A replaced by C.
Protein change: p.Glu310Asp; replaces glutamic acid 310 with aspartic acid.
Molecular consequence: missense variant.
Genome position (GRCh38, 1-based): chr1:237,423,173, A>C. VCF-style: chr1-237423173-A-C. GRCh37 (hg19) VCF-style: chr1-237586473-A-C.
Other names: short protein forms E310D.
Identifiers: ClinVar variation 3385660 (VCV003385660.1).

ClinVar aggregate classification (germline): Uncertain significance (1 of 4 stars; one submission).

Conditions:
Catecholaminergic polymorphic ventricular tachycardia (CVPT). Also called: Catecholamine-induced polymorphic ventricular tachycardia. Identifiers: Orphanet 3286, MedGen C5574922, MONDO:0017990.

Submission:

All of Us Research Program, National Institutes of Health
Classification: Uncertain significance for Catecholaminergic polymorphic ventricular tachycardia. Last evaluated: 2024-08-06. Review status: criteria provided, single submitter. Criteria: ACMG Guidelines, 2015. Collection method: clinical testing. Allele origin: germline. Inheritance: Autosomal dominant inheritance. Observed: 1 variant allele, 1 heterozygote.
Comment: This study involves interpretation of variants in research participants for the purpose of population health screening. Participant phenotype was not available at the time of variant classification. Additional details can be found in publication PMID: 35346344, PMCID: PMC8962531